The following is an entry in ClinVar:

NM_002474.3(MYH11):c.5496G>C (p.Gln1832His)

Genes: NDE1 (nudE neurodevelopment protein 1; plus strand), MYH11 (myosin heavy chain 11; minus strand). Cytogenetic location: 16p13.11.
Variant type: single nucleotide variant.
Coding change: c.5496G>C on transcript NM_002474.3 (MANE Select); coding-DNA position 5496, G replaced by C.
Protein change: p.Gln1832His; replaces glutamine 1832 with histidine.
Molecular consequence: missense variant. On other transcripts: intron variant (2).
Genome position (GRCh38, 1-based): chr16:15,717,148, C>G on the plus strand (G>C on the coding strand, the complement: MYH11 is on the minus strand). VCF-style: chr16-15717148-C-G. GRCh37 (hg19) VCF-style: chr16-15811005-C-G.
Other names: c.5517G>C, p.Gln1839His (NM_001040113.2, NM_001040114.2); c.5496G>C, p.Gln1832His (NM_022844.3); c.948-7043C>G (NM_001143979.2, NM_017668.3); short protein forms Q1832H, Q1839H.
Identifiers: ClinVar variation 918235 (VCV000918235.10), dbSNP rs553162576, ClinGen allele CA7921255.

ClinVar aggregate classification (germline): Conflicting classifications of pathogenicity. Review status: criteria provided, conflicting classifications (1 of 4 stars). 4 submissions from 4 submitters: Uncertain significance (1); Likely benign (3). Last evaluated 2025-06-19.

Conditions:
Aortic aneurysm, familial thoracic 4 (AAT4). Also called: AORTIC ANEURYSM/AORTIC DISSECTION AND PATENT DUCTUS ARTERIOSUS. Identifiers: MedGen C1851504, MONDO:0007568, OMIM 132900.
Visceral myopathy 2. Identifiers: MedGen C5543466, MONDO:0859157, OMIM 619350.
Megacystis-microcolon-intestinal hypoperistalsis syndrome 2. Identifiers: MedGen C5543476, MONDO:0025708, OMIM 619351.
Familial thoracic aortic aneurysm and aortic dissection (TAAD). Also called: Thoracic aortic aneurysms and dissections. Identifiers: Orphanet 91387, MedGen C4707243, MONDO:0019625.

Allele frequency attached by ClinVar (database versions not stated): gnomAD below 0.00001 and 0.00001; TOPMed 0.00003; gnomAD exomes 0.00004 and 0.00011; ExAC 0.00011.
gnomAD v4.1: 63 of 1,614,108 alleles (0.0039%); highest among the groups gnomAD compares: South Asian, 0.067%; no homozygotes.

Submissions (4):

Labcorp Genetics (formerly Invitae), Labcorp
Classification: Likely benign for Aortic aneurysm, familial thoracic 4. Last evaluated: 2025-06-19. Review status: criteria provided, single submitter. Criteria: Invitae Variant Classification Sherloc (09022015). Collection method: clinical testing. Allele origin: germline.

All of Us Research Program, National Institutes of Health
Classification: Likely benign for Familial thoracic aortic aneurysm and aortic dissection. Last evaluated: 2023-09-17. Review status: criteria provided, single submitter. Criteria: ACMG Guidelines, 2015. Collection method: clinical testing. Allele origin: germline. Inheritance: Autosomal dominant inheritance. Observed: 1 variant allele, 1 heterozygote.
Comment: This study involves interpretation of variants in research participants for the purpose of population health screening. Participant phenotype was not available at the time of variant classification. Additional details can be found in publication PMID: 35346344, PMCID: PMC8962531

Color Diagnostics, LLC DBA Color Health
Classification: Likely benign for Familial thoracic aortic aneurysm and aortic dissection. Last evaluated: 2021-11-24. Review status: criteria provided, single submitter. Criteria: ACMG Guidelines, 2015. Collection method: clinical testing. Allele origin: germline.

Fulgent Genetics
Classification: Uncertain significance for Aortic aneurysm, familial thoracic 4; Visceral myopathy 2; Megacystis-microcolon-intestinal hypoperistalsis syndrome 2. Last evaluated: 2021-08-09. Review status: criteria provided, single submitter. Criteria: ACMG Guidelines, 2015. Collection method: clinical testing. Allele origin: unknown.